The following is an entry in ClinVar:

NM_177438.3(DICER1):c.4106T>A (p.Met1369Lys)

Gene: DICER1 (dicer 1, ribonuclease III; minus strand). Cytogenetic location: 14q32.13.
Variant type: single nucleotide variant.
Coding change: c.4106T>A on transcript NM_177438.3 (MANE Select); coding-DNA position 4106, T replaced by A.
Protein change: p.Met1369Lys; replaces methionine 1369 with lysine.
Molecular consequence: missense variant. On other transcripts: non-coding transcript variant (6).
Genome position (GRCh38, 1-based): chr14:95,099,880, A>T on the plus strand (T>A on the coding strand, the complement: DICER1 is on the minus strand). VCF-style: chr14-95099880-A-T. GRCh37 (hg19) VCF-style: chr14-95566217-A-T.
Other names: c.4106T>A, p.Met1369Lys (NM_001195573.1, NM_001271282.3, NM_001291628.2 and 12 more transcripts); c.3824T>A, p.Met1275Lys (NM_001395686.1); c.3701T>A, p.Met1234Lys (NM_001395687.1, NM_001395688.1, NM_001395689.1 and 2 more transcripts); c.3539T>A, p.Met1180Lys (NM_001395691.1); c.2423T>A, p.Met808Lys (NM_001395697.1); short protein forms M1180K, M1234K, M1275K, M1369K, M808K.
Identifiers: ClinVar variation 4869814 (VCV004869814.1).

ClinVar aggregate classification (germline): Uncertain significance (1 of 4 stars; one submission).

Conditions:
Hereditary cancer-predisposing syndrome. Also called: Neoplastic Syndromes, Hereditary; Tumor predisposition; Hereditary Cancer Syndrome; Hereditary neoplastic syndrome. Identifiers: Orphanet 140162, MedGen C0027672, MeSH D009386, MONDO:0015356.

Submission:

Ambry Genetics
Classification: Uncertain significance for Hereditary cancer-predisposing syndrome. Last evaluated: 2026-06-08. Review status: criteria provided, single submitter. Criteria: Ambry Variant Classification Scheme 2023. Collection method: clinical testing. Allele origin: germline.
Comment: The p.M1369K variant (also known as c.4106T>A), located in coding exon 21 of the DICER1 gene, results from a T to A substitution at nucleotide position 4106. The methionine at codon 1369 is replaced by lysine, an amino acid with similar properties. This amino acid position is conserved. In addition, this alteration is predicted to be deleterious by in silico analysis. Based on the available evidence, the clinical significance of this variant remains unclear.